The following is an entry in ClinVar:

NM_006767.4(LZTR1):c.1666A>T (p.Ser556Cys)

Gene: LZTR1 (leucine zipper like post translational regulator 1; plus strand). Cytogenetic location: 22q11.21.
Variant type: single nucleotide variant.
Coding change: c.1666A>T on transcript NM_006767.4 (MANE Select); coding-DNA position 1666, A replaced by T.
Protein change: p.Ser556Cys; replaces serine 556 with cysteine.
Molecular consequence: missense variant.
Genome position (GRCh38, 1-based): chr22:20,994,608, A>T. VCF-style: chr22-20994608-A-T. GRCh37 (hg19) VCF-style: chr22-21348897-A-T.
Other names: short protein forms S556C.
Identifiers: ClinVar variation 3371287 (VCV003371287.1).

ClinVar aggregate classification (germline): Uncertain significance (1 of 4 stars; one submission).

Submission:

GeneDx
Classification: Uncertain significance. Last evaluated: 2024-03-20. Review status: criteria provided, single submitter. Criteria: GeneDx Variant Classification Process June 2021. Collection method: clinical testing. Allele origin: germline. Affected: yes.
Comment: Not observed at significant frequency in large population cohorts (gnomAD); In silico analysis supports that this missense variant does not alter protein structure/function; In silico analysis suggests this variant may impact gene splicing. In the absence of RNA/functional studies, the actual effect of this sequence change is unknown; Has not been previously published as pathogenic or benign to our knowledge